The following is an entry in ClinVar:

NM_000466.3(PEX1):c.3438+2T>C

Genes: GATAD1 (GATA zinc finger domain containing 1; plus strand), PEX1 (peroxisomal biogenesis factor 1; minus strand). Cytogenetic location: 7q21.2.
Variant type: single nucleotide variant.
Coding change: c.3438+2T>C on transcript NM_000466.3 (MANE Select); the canonical splice donor site of the intron after coding-DNA position 3438, T replaced by C.
Molecular consequence: splice donor variant.
Genome position (GRCh38, 1-based): chr7:92,491,270, A>G on the plus strand (T>C on the coding strand, the complement: PEX1 is on the minus strand). VCF-style: chr7-92491270-A-G. GRCh37 (hg19) VCF-style: chr7-92120584-A-G.
Other names: c.3267+2T>C (NM_001282677.2); c.2814+2T>C (NM_001282678.2).
Identifiers: ClinVar variation 4881111 (VCV004881111.2).

ClinVar aggregate classification (germline): Likely pathogenic (1 of 4 stars; one submission).

gnomAD v4.1: 2 of 1,576,896 alleles (0.00013%); highest among the groups gnomAD compares: Non-Finnish European, 0.00017%; no homozygotes.

Submission:

Dasa
Classification: Likely pathogenic. Last evaluated: 2025-10-03. Review status: criteria provided, single submitter. Criteria: DASA Assertion Criteria. Collection method: clinical testing. Allele origin: germline.
Comment: NM_000466.3(PEX1):c.3438+2T>C affects a canonical splice site and is predicted to disrupt normal RNA splicing. Loss of function is an established disease mechanism for PEX1-associated disorders. Segregation data support an association with disease in the reported family/families (PMID: 19105186; PMID: 40307696). This variant has been recurrently observed in individuals with PEX1-related disorders (PMID: 19105186; PMID: 40307696). Also, this variant is rare in population databases. Based on the currently available evidence, this variant is classified as likely pathogenic.

Literature cited by the submitters: PubMed 19105186; PubMed 40307696.